The following is an entry in ClinVar:

ClinVar aggregate classification (germline): Conflicting classifications of pathogenicity. Review status: criteria provided, conflicting classifications (1 of 4 stars). 13 submissions from 13 submitters: Uncertain significance (1); Benign (2); Likely benign (9). 1 of the submissions does not count toward it. Last evaluated 2026-09-16.

Conditions:
BARD1-related disorder. Also called: BARD1-related condition.
Hereditary cancer-predisposing syndrome. Also called: Neoplastic Syndromes, Hereditary; Tumor predisposition; Hereditary neoplastic syndrome; Hereditary Cancer Syndrome. Identifiers: Orphanet 140162, MedGen C0027672, MeSH D009386, MONDO:0015356.
Familial cancer of breast. Also called: Hereditary breast cancer; BREAST CANCER, FAMILIAL; hereditary breast carcinoma. Identifiers: Orphanet 227535, MedGen C0346153, MONDO:0016419, OMIM 114480. Disease mechanism: loss of function.
Malignant tumor of breast. Also called: Malignant breast neoplasm; Cancer breast. Identifiers: MedGen C0006142, MONDO:0007254. Disease mechanism: loss of function.

Allele frequency attached by ClinVar (database versions not stated): gnomAD exomes 0.00001 and 0.00002; ExAC 0.00003; gnomAD 0.00003 and 0.00004; TOPMed 0.00003.
gnomAD v4.1: 29 of 1,614,008 alleles (0.0018%); highest among the groups gnomAD compares: Admixed American, 0.0033%; no homozygotes.

Submissions (13):

PreventionGenetics, part of Exact Sciences
Classification: Likely benign for BARD1-related condition. Last evaluated: 2026-09-16. Review status: criteria provided, single submitter. Criteria: ACMG Guidelines, 2015. Collection method: clinical testing. Allele origin: germline.
Comment: This variant is classified as likely benign based on ACMG/AMP sequence variant interpretation guidelines (Richards et al. 2015 PMID: 25741868, with internal and published modifications).

Labcorp Genetics (formerly Invitae), Labcorp
Classification: Likely benign for Familial cancer of breast. Last evaluated: 2026-02-03. Review status: criteria provided, single submitter. Criteria: Invitae Variant Classification Sherloc (09022015). Collection method: clinical testing. Allele origin: germline.

Quest Diagnostics Nichols Institute San Juan Capistrano
Classification: Likely benign. Last evaluated: 2025-04-16. Review status: criteria provided, single submitter. Criteria: Quest Diagnostics criteria. Collection method: clinical testing. Allele origin: unknown.

Myriad Genetics, Inc.
Classification: Benign for Familial cancer of breast. Last evaluated: 2024-07-30. Review status: criteria provided, single submitter. Criteria: Myriad Autosomal Dominant, Autosomal Recessive and X-Linked Classification Criteria (2023). Collection method: clinical testing. Allele origin: unknown.
Comment: This variant is considered benign. This variant is a silent/synonymous amino acid change and it is not expected to impact splicing.

Institute for Biomarker Research, Medical Diagnostic Laboratories, L.L.C.
Classification: Likely benign for Hereditary cancer-predisposing syndrome. Last evaluated: 2024-05-28. Review status: criteria provided, single submitter. Criteria: ACMG Guidelines, 2015. Collection method: clinical testing. Allele origin: germline.

Blueprint Genetics
Classification: Likely benign. Last evaluated: 2024-05-24. Review status: criteria provided, single submitter. Criteria: ACMG Guidelines, 2015. Collection method: clinical testing. Allele origin: germline.

Sema4
Classification: Likely benign for Hereditary cancer-predisposing syndrome. Last evaluated: 2021-11-27. Review status: criteria provided, single submitter. Criteria: Sema4 Curation Guidelines. Collection method: curation. Allele origin: germline.

Women's Health and Genetics/Laboratory Corporation of America, LabCorp
Classification: Likely benign. Last evaluated: 2019-08-27. Review status: criteria provided, single submitter. Criteria: LabCorp Variant Classification Summary - May 2015. Collection method: clinical testing. Allele origin: germline.

Illumina Laboratory Services, Illumina
Classification: Uncertain significance for Familial cancer of breast. Last evaluated: 2018-03-02. Review status: criteria provided, single submitter. Criteria: ICSL Variant Classification Criteria 13 December 2019. Collection method: clinical testing. Allele origin: germline.

Color Diagnostics, LLC DBA Color Health
Classification: Likely benign for Hereditary cancer-predisposing syndrome. Last evaluated: 2017-04-06. Review status: criteria provided, single submitter. Criteria: ACMG Guidelines, 2015. Collection method: clinical testing. Allele origin: germline.

GeneDx
Classification: Benign. Last evaluated: 2015-09-17. Review status: criteria provided, single submitter. Criteria: GeneDx Variant Classification (06012015). Collection method: clinical testing. Allele origin: germline. Affected: yes.
Comment: This variant is considered likely benign or benign based on one or more of the following criteria: it is a conservative change, it occurs at a poorly conserved position in the protein, it is predicted to be benign by multiple in silico algorithms, and/or has population frequency not consistent with disease.

Ambry Genetics
Classification: Likely benign for Hereditary cancer-predisposing syndrome. Last evaluated: 2015-01-19. Review status: criteria provided, single submitter. Criteria: Ambry Variant Classification Scheme 2023. Collection method: clinical testing. Allele origin: germline.

Department of Pathology and Laboratory Medicine, Sinai Health System
Classification: Likely benign for Malignant tumor of breast. Review status: no assertion criteria provided. Collection method: clinical testing. Allele origin: unknown. Affected: yes. Study: The Canadian Open Genetics Repository (COGR). Not counted in ClinVar's aggregate classification.
Comment: The BARD1 p.Ser760= variant was not identified in the literature. The variant was identified in dbSNP (ID: rs749959440) as "with other allele" and in ClinVar (classified as likely benign by Ambry Genetics, Invitae and two other submitters and as benign by GeneDx) database. It was also identified in control databases in 6 of 246004 chromosomes at a frequency of 0.00002 (Genome Aggregation Database Feb 27, 2017). The variant was observed in the following populations: Latino in 1 of 33566 chromosomes (freq: 0.00003), European in 3 of 111490 chromosomes (freq: 0.00003), East Asian in 1 of 17246 chromosomes (freq: 0.00006), and South Asian in 1 of 30778 chromosomes (freq: 0.00003), while the variant was not observed in the African, Other, Ashkenazi Jewish or Finnish populations. The p.Ser760= variant is not expected to have clinical significance because it does not result in a change of amino acid and is not located in a known consensus splice site. In addition, in silico or computational prediction software programs (SpliceSiteFinder, MaxEntScan, NNSPLICE, GeneSplicer) do not predict a difference in splicing. In summary, based on the above information, the clinical significance of this variant cannot be determined with certainty at this time although we would lean towards a more benign role for this variant. This variant is classified as likely benign.

Literature cited by the submitters: PubMed 38509102 (cited by Quest Diagnostics Nichols Institute San Juan Capistrano).

NM_000465.4(BARD1):c.2280G>A (p.Ser760=)

Gene: BARD1 (BRCA1 associated RING domain 1; minus strand). Cytogenetic location: 2q35.
Variant type: single nucleotide variant.
Coding change: c.2280G>A on transcript NM_000465.4 (MANE Select); coding-DNA position 2280, G replaced by A.
Protein change: p.Ser760=; no amino-acid change (serine 760 retained).
Molecular consequence: synonymous variant. On other transcripts: non-coding transcript variant (3).
Genome position (GRCh38, 1-based): chr2:214,728,730, C>T on the plus strand (G>A on the coding strand, the complement: BARD1 is on the minus strand). VCF-style: chr2-214728730-C-T. GRCh37 (hg19) VCF-style: chr2-215593454-C-T.
Other names: c.2223G>A, p.Ser741= (NM_001282543.2); c.927G>A, p.Ser309= (NM_001282545.2); c.870G>A, p.Ser290= (NM_001282548.2); c.741G>A, p.Ser247= (NM_001282549.2).
Identifiers: ClinVar variation 184291 (VCV000184291.32), dbSNP rs749959440, ClinGen allele CA188501.